The following is an entry in ClinVar:

ClinVar aggregate classification (germline): Uncertain significance (1 of 4 stars; one submission).

Allele frequency attached by ClinVar (database versions not stated): TOPMed 0.00001.
gnomAD v4.1: 3 of 1,614,186 alleles (0.00019%); highest among the groups gnomAD compares: Admixed American, 0.0033%; no homozygotes.

Submission:

Labcorp Genetics (formerly Invitae), Labcorp
Classification: Uncertain significance. Last evaluated: 2022-08-05. Review status: criteria provided, single submitter. Criteria: Invitae Variant Classification Sherloc (09022015). Collection method: clinical testing. Allele origin: germline.
Comment: This sequence change replaces leucine, which is neutral and non-polar, with methionine, which is neutral and non-polar, at codon 219 of the APOA4 protein (p.Leu219Met). This variant is present in population databases (rs751787167, gnomAD 0.003%). This variant has not been reported in the literature in individuals affected with APOA4-related conditions. Algorithms developed to predict the effect of missense changes on protein structure and function are either unavailable or do not agree on the potential impact of this missense change (SIFT: "Deleterious"; PolyPhen-2: "Probably Damaging"; Align-GVGD: "Class C0"). In summary, the available evidence is currently insufficient to determine the role of this variant in disease. Therefore, it has been classified as a Variant of Uncertain Significance.

NM_000482.4(APOA4):c.655C>A (p.Leu219Met)

Gene: APOA4 (apolipoprotein A4; minus strand). Cytogenetic location: 11q23.3.
Variant type: single nucleotide variant.
Coding change: c.655C>A on transcript NM_000482.4 (MANE Select); coding-DNA position 655, C replaced by A.
Protein change: p.Leu219Met; replaces leucine 219 with methionine.
Molecular consequence: missense variant.
Genome position (GRCh38, 1-based): chr11:116,821,403, G>T on the plus strand (C>A on the coding strand, the complement: APOA4 is on the minus strand). VCF-style: chr11-116821403-G-T. GRCh37 (hg19) VCF-style: chr11-116692119-G-T.
Other names: short protein forms L219M.
Identifiers: ClinVar variation 1902471 (VCV001902471.5), dbSNP rs751787167, ClinGen allele CA6289349.
Genomic context (GRCh38, chr11:116,821,403, plus strand): 5'-CAAGCTGGTGGTTGAGCTTCTCCTGCGTGTCCTGAGCATAGGGAGCCAGGCTGCGGCGCA[G>T]CTCCTCCACGGTCTGGTCAATCTTGACTTTGAATTCGTCAGCGTAGGGCGTAAGGCGTCC-3'
Protein context (NP_000473.2, residues 209-229): KVKIDQTVEE[Leu219Met]RRSLAPYAQD